The following is an entry in ClinVar:

NM_000102.4(CYP17A1):c.297+1G>T

Gene: CYP17A1 (cytochrome P450 family 17 subfamily A member 1; minus strand). Cytogenetic location: 10q24.32.
Variant type: single nucleotide variant.
Coding change: c.297+1G>T on transcript NM_000102.4 (MANE Select); the canonical splice donor site of the intron after coding-DNA position 297, G replaced by T.
Molecular consequence: splice donor variant.
Genome position (GRCh38, 1-based): chr10:102,837,064, C>A on the plus strand (G>T on the coding strand, the complement: CYP17A1 is on the minus strand). VCF-style: chr10-102837064-C-A. GRCh37 (hg19) VCF-style: chr10-104596821-C-A.
Identifiers: ClinVar variation 3005866 (VCV003005866.3), dbSNP rs2493245552, ClinGen allele CA377940552.

ClinVar aggregate classification (germline): Pathogenic (1 of 4 stars; one submission).

Submission:

Labcorp Genetics (formerly Invitae), Labcorp
Classification: Pathogenic. Last evaluated: 2023-07-25. Review status: criteria provided, single submitter. Criteria: Invitae Variant Classification Sherloc (09022015). Collection method: clinical testing. Allele origin: germline.
Comment: This sequence change affects a donor splice site in intron 1 of the CYP17A1 gene. It is expected to disrupt RNA splicing. Variants that disrupt the donor or acceptor splice site typically lead to a loss of protein function (PMID: 16199547), and loss-of-function variants in CYP17A1 are known to be pathogenic (PMID: 10720067, 14747197, 17192295, 20197673, 24140098). This variant is not present in population databases (gnomAD no frequency). Disruption of this splice site has been observed in individual(s) with clinical features of CYP17A1-related disease (PMID: 21966534). In at least one individual the data is consistent with being in trans (on the opposite chromosome) from a pathogenic variant. Studies have shown that disruption of this splice site alters mRNA splicing and is expected to lead to the loss of protein expression (PMID: 21966534). For these reasons, this variant has been classified as Pathogenic.

Literature cited by the submitters: PubMed 16199547; PubMed 10720067; PubMed 14747197; PubMed 17192295; PubMed 20197673; PubMed 24140098; PubMed 21966534.